The following is an entry in ClinVar:

NM_181552.4(CUX1):c.1490T>C (p.Met497Thr)

Gene: CUX1 (cut like homeobox 1; plus strand). Cytogenetic location: 7q22.1.
Variant type: single nucleotide variant.
Coding change: c.1490T>C on transcript NM_181552.4 (MANE Select); coding-DNA position 1490, T replaced by C.
Protein change: p.Met497Thr; replaces methionine 497 with threonine.
Molecular consequence: missense variant. On other transcripts: intron variant (5).
Genome position (GRCh38, 1-based): chr7:102,196,901, T>C. VCF-style: chr7-102196901-T-C. GRCh37 (hg19) VCF-style: chr7-101840181-T-C.
Other names: c.1523T>C, p.Met508Thr (NM_001202543.2); c.1255+1298T>C (NM_001913.5); c.1249+1298T>C (NM_181500.4); c.1117+1298T>C (NM_001202545.3); c.1207+1298T>C (NM_001202544.3); c.1138+1298T>C (NM_001202546.3); short protein forms M497T, M508T.
Identifiers: ClinVar variation 3779201 (VCV003779201.5).

ClinVar aggregate classification (germline): Conflicting classifications of pathogenicity. Review status: criteria provided, conflicting classifications (1 of 4 stars). 2 submissions from 2 submitters: Uncertain significance (1); Likely benign (1). Last evaluated 2026-03-01.

Conditions:
Global developmental delay with or without impaired intellectual development. Identifiers: MedGen C5193032, MONDO:0032680, OMIM 618330.

gnomAD v4.1: 74 of 1,614,100 alleles (0.0046%); highest among the groups gnomAD compares: Non-Finnish European, 0.0032%; 1 homozygote.

Submissions (2):

CeGaT Center for Human Genetics Tuebingen
Classification: Likely benign. Last evaluated: 2026-03-01. Review status: criteria provided, single submitter. Criteria: CeGaT Center For Human Genetics Tuebingen Variant Classification Criteria Version 2. Collection method: clinical testing. Allele origin: germline. Affected: yes. Observed: 1 variant allele.
Comment: CUX1: BS2

Department of Pathology and Laboratory Medicine, Sinai Health System
Classification: Uncertain significance for global developmental delay with or without impaired intellectual development. Last evaluated: 2022-09-12. Review status: criteria provided, single submitter. Criteria: ACMG Guidelines, 2015. Collection method: research. Allele origin: germline.